The following is an entry in ClinVar:

NM_000038.6(APC):c.3069del (p.Pro1024fs)

Gene: APC (APC regulator of Wnt signaling pathway; plus strand). Cytogenetic location: 5q22.2.
Variant type: Deletion.
Coding change: c.3069del on transcript NM_000038.6 (MANE Select); coding-DNA position 3069, one base deleted (A; older notation c.3069delA).
Protein change: p.Pro1024fs; shifts the reading frame from proline 1024.
Molecular consequence: frameshift variant. On other transcripts: non-coding transcript variant (2).
Genome position (GRCh38, 1-based): chr5:112,838,663, A deleted. VCF-style (leftmost placement, unchanged base first): chr5-112838662-CA-C. GRCh37 (hg19) VCF-style: chr5-112174359-CA-C.
Other names: c.3069del, p.Pro1024fs (NM_001127510.3, NM_001354895.2, NM_001407450.1); c.3015del, p.Pro1006fs (NM_001127511.3); c.3123del, p.Pro1042fs (NM_001354896.2, NM_001407447.1, NM_001407448.1 and 1 more transcripts); c.3099del, p.Pro1034fs (NM_001354897.2); c.2994del, p.Pro999fs (NM_001354898.2); c.2985del, p.Pro996fs (NM_001354899.2); c.2946del, p.Pro983fs (NM_001354900.2); c.2892del, p.Pro965fs (NM_001354901.2, NM_001407453.1); and 11 more; short protein forms P1006fs, P1014fs, P1017fs, P1024fs, P1034fs, P1042fs, P1052fs, P640fs.
Identifiers: ClinVar variation 2583978 (VCV002583978.2), dbSNP rs2533468908, ClinGen allele CA2582341483.

ClinVar aggregate classification (germline): Pathogenic (1 of 4 stars; one submission).

Conditions:
Familial adenomatous polyposis 1 (FAP1). Also called: FAMILIAL ADENOMATOUS POLYPOSIS 1, ATTENUATED; POLYPOSIS, ADENOMATOUS INTESTINAL. Identifiers: MedGen C2713442, MONDO:0021056, OMIM 175100. Disease mechanism: loss of function.

Submission:

Myriad Genetics, Inc.
Classification: Pathogenic for Familial adenomatous polyposis 1. Last evaluated: 2023-05-05. Review status: criteria provided, single submitter. Criteria: Myriad Autosomal Dominant, Autosomal Recessive and X-Linked Classification Criteria (2023). Collection method: clinical testing. Allele origin: unknown.
Comment: This variant is considered pathogenic. This variant creates a frameshift predicted to result in premature protein truncation.